The following is an entry in ClinVar:

NM_003121.5(SPIB):c.405G>A (p.Pro135=)

Gene: SPIB (Spi-B transcription factor; plus strand). Cytogenetic location: 19q13.33.
Variant type: single nucleotide variant.
Coding change: c.405G>A on transcript NM_003121.5 (MANE Select); coding-DNA position 405, G replaced by A.
Protein change: p.Pro135=; no amino-acid change (proline 135 retained).
Molecular consequence: synonymous variant.
Genome position (GRCh38, 1-based): chr19:50,423,670, G>A. VCF-style: chr19-50423670-G-A. GRCh37 (hg19) VCF-style: chr19-50926927-G-A.
Other names: c.132G>A, p.Pro44= (NM_001243998.2); c.405G>A, p.Pro135= (NM_001243999.2); c.312G>A, p.Pro104= (NM_001244000.2).
Identifiers: ClinVar variation 5038906 (VCV005038906.1).

ClinVar aggregate classification (germline): Likely benign (1 of 4 stars; one submission).

gnomAD v4.1: 748 of 1,613,976 alleles (0.046%); highest among the groups gnomAD compares: African/African-American, 0.72%; 5 homozygotes.

Submission:

CeGaT Center for Human Genetics Tuebingen
Classification: Likely benign. Last evaluated: 2026-08-01. Review status: criteria provided, single submitter. Criteria: CeGaT Center For Human Genetics Tuebingen Variant Classification Criteria Version 2. Collection method: clinical testing. Allele origin: germline. Affected: yes. Observed: 1 variant allele.
Comment: SPIB: BP4, BP7